The following is an entry in ClinVar:

NM_001003694.2(BRPF1):c.1316G>T (p.Arg439Leu)

Gene: BRPF1 (bromodomain and PHD finger containing 1; plus strand). Cytogenetic location: 3p25.3.
Variant type: single nucleotide variant.
Coding change: c.1316G>T on transcript NM_001003694.2 (MANE Select); coding-DNA position 1316, G replaced by T.
Protein change: p.Arg439Leu; replaces arginine 439 with leucine.
Molecular consequence: missense variant. On other transcripts: non-coding transcript variant (1).
Genome position (GRCh38, 1-based): chr3:9,739,715, G>T. VCF-style: chr3-9739715-G-T. GRCh37 (hg19) VCF-style: chr3-9781399-G-T.
Other names: c.1316G>T, p.Arg439Leu (NM_001319049.2, NM_001319050.2, NM_001410704.1 and 1 more transcripts); short protein forms R439L.
Identifiers: ClinVar variation 1810023 (VCV001810023.1), dbSNP rs771693624, ClinGen allele CA351688004.

ClinVar aggregate classification (germline): Uncertain significance (1 of 4 stars; one submission).

Submission:

GeneDx
Classification: Uncertain significance. Last evaluated: 2022-07-01. Review status: criteria provided, single submitter. Criteria: GeneDx Variant Classification Process June 2021. Collection method: clinical testing. Allele origin: germline. Affected: yes.
Comment: Not observed at significant frequency in large population cohorts (gnomAD); In silico analysis supports that this missense variant has a deleterious effect on protein structure/function; Has not been previously published as pathogenic or benign to our knowledge